The following is an entry in ClinVar:

NC_000011.10:g.(?_108365082)_(108365508_?)del

Genes: ATM (ATM serine/threonine kinase; plus strand), C11orf65 (chromosome 11 open reading frame 65; minus strand). Cytogenetic location: 11q22.3.
Variant type: Deletion.
Identifiers: ClinVar variation 264691 (VCV000264691.1).

ClinVar aggregate classification (germline): Pathogenic (1 of 4 stars; one submission).

Conditions:
Ataxia-telangiectasia syndrome (AT). Also called: LOUIS-BAR SYNDROME; ATAXIA-TELANGIECTASIA, COMPLEMENTATION GROUP A; ATAXIA-TELANGIECTASIA, FRESNO VARIANT; Ataxia-telangiectasia; Cerebello-oculocutaneous telangiectasia; Immunodeficiency with ataxia telangiectasia. Identifiers: Orphanet 100, MedGen C0004135, MONDO:0008840, OMIM 208900.

Submission:

Labcorp Genetics (formerly Invitae), Labcorp
Classification: Pathogenic for Ataxia-telangiectasia syndrome. Last evaluated: 2016-03-03. Review status: criteria provided, single submitter. Criteria: Invitae Variant Classification Sherloc (09022015). Collection method: clinical testing. Allele origin: germline.
Comment: This variant is a gross deletion of the genomic region encompassing exons 62-63 of the ATM gene, and is predicted to eliminate the final 106 amino acids of the protein (p.Val2951_Val3056del). The 5' boundary is likely confined to the intronic region between exons 61 and 62. The 3' end of this event is unknown as it extends through the termination codon beyond the assayed region for this gene and may encompass additional genes. While this deletion is not anticipated to result in nonsense mediated decay, it is expected to create a truncated ATM protein. A deletion encompassing exons 62-63 and the 3' UTR of ATM is reported as pathogenic and causative for autosomal recessive ataxia-telangiectasia (PMID: 9443866). In addition, multiple missense changes in these last two exons (PMID: 9872980, 12552566, 19781682), and a heterozygous deletion encompassing exon 63 (PMID: 23807571), have been reported as pathogenic. For these reasons, this deletion has been classified as Pathogenic.